The following is an entry in ClinVar:

ClinVar aggregate classification (germline): Uncertain significance (1 of 4 stars; one submission).

gnomAD v4.1: 2 of 1,609,432 alleles (0.00012%); highest among the groups gnomAD compares: African/African-American, 0.0027%; no homozygotes.

Submission:

Women's Health and Genetics/Laboratory Corporation of America, LabCorp
Classification: Uncertain significance. Last evaluated: 2024-11-29. Review status: criteria provided, single submitter. Criteria: LabCorp Variant Classification Summary - May 2015. Collection method: clinical testing. Allele origin: germline.
Comment: Variant summary: PKD1 c.12558C>G (p.His4186Gln) results in a non-conservative amino acid change in the encoded protein sequence. Three of five in-silico tools predict a benign effect of the variant on protein function. The variant was absent in 243308 control chromosomes. The available data on variant occurrences in the general population are insufficient to allow any conclusion about variant significance. To our knowledge, no occurrence of c.12558C>G in individuals affected with Polycystic Kidney Disease 1 and no experimental evidence demonstrating its impact on protein function have been reported. No submitters have cited clinical-significance assessments for this variant to ClinVar. Based on the evidence outlined above, the variant was classified as uncertain significance.

NM_001009944.3(PKD1):c.12558C>G (p.His4186Gln)

Gene: PKD1 (polycystin 1, transient receptor potential channel interacting; minus strand). Cytogenetic location: 16p13.3.
Variant type: single nucleotide variant.
Coding change: c.12558C>G on transcript NM_001009944.3 (MANE Select); coding-DNA position 12558, C replaced by G.
Protein change: p.His4186Gln; replaces histidine 4186 with glutamine.
Molecular consequence: missense variant.
Genome position (GRCh38, 1-based): chr16:2,090,081, G>C on the plus strand (C>G on the coding strand, the complement: PKD1 is on the minus strand). VCF-style: chr16-2090081-G-C. GRCh37 (hg19) VCF-style: chr16-2140082-G-C.
Other names: c.12555C>G, p.His4185Gln (NM_000296.4); short protein forms H4185Q, H4186Q.
Identifiers: ClinVar variation 3629587 (VCV003629587.2).